The following is an entry in ClinVar:

NM_138927.4(SON):c.6072AAG[2] (p.Arg2027del)

Gene: SON (SON DNA and RNA binding protein; plus strand). Cytogenetic location: 21q22.11.
Variant type: Microsatellite.
Coding change: c.6072AAG[2] on transcript NM_138927.4 (MANE Select); two copies in a row of the 3-base unit AAG starting at c.6072; the reference has three copies in a row; one copy, 3 bases deleted.
Protein change: p.Arg2027del; deletes arginine 2027.
Molecular consequence: non-coding transcript variant (on NR_103797.2). On other transcripts: intron variant (1).
Genome position (GRCh38, 1-based): chr21:33,555,309-33,555,311, AAG deleted; deleting any 3 consecutive bases within chr21:33,555,303-33,555,311 gives the same sequence; the position shown is the placement nearest the transcript's 3' end. VCF-style (leftmost placement, unchanged base first): chr21-33555302-TAAG-T. GRCh37 (hg19) VCF-style: chr21-34927608-TAAG-T.
Other names: c.6072AAG[2], p.Arg2027del (NM_001291411.2, NM_032195.3); c.245-1853AAG[2] (NM_001291412.3); short protein forms R2027del.
Identifiers: ClinVar variation 3690015 (VCV003690015.2).

ClinVar aggregate classification (germline): Uncertain significance (1 of 4 stars; one submission).

Submission:

Labcorp Genetics (formerly Invitae), Labcorp
Classification: Uncertain significance. Last evaluated: 2024-04-18. Review status: criteria provided, single submitter. Criteria: Invitae Variant Classification Sherloc (09022015). Collection method: clinical testing. Allele origin: germline.
Comment: This variant, c.6078_6080del, results in the deletion of 1 amino acid(s) of the SON protein (p.Arg2027del), but otherwise preserves the integrity of the reading frame. This variant is present in population databases (rs750255533, gnomAD 0.0009%). This variant has not been reported in the literature in individuals affected with SON-related conditions. Experimental studies and prediction algorithms are not available or were not evaluated, and the functional significance of this variant is currently unknown. In summary, the available evidence is currently insufficient to determine the role of this variant in disease. Therefore, it has been classified as a Variant of Uncertain Significance.